The following is an entry in ClinVar:

ClinVar aggregate classification (germline): Uncertain significance (1 of 4 stars; one submission).

Allele frequency attached by ClinVar (database versions not stated): gnomAD exomes below 0.00001; TOPMed below 0.00001; gnomAD 0.00001.
gnomAD v4.1: 7 of 1,614,072 alleles (0.00043%); highest among the groups gnomAD compares: Non-Finnish European, 0.00059%; no homozygotes.

Submission:

Labcorp Genetics (formerly Invitae), Labcorp
Classification: Uncertain significance. Last evaluated: 2026-02-02. Review status: criteria provided, single submitter. Criteria: Invitae Variant Classification Sherloc (09022015). Collection method: clinical testing. Allele origin: germline.
Comment: This sequence change replaces lysine, which is basic and polar, with arginine, which is basic and polar, at codon 284 of the ECHS1 protein (p.Lys284Arg). This variant is not present in population databases (gnomAD no frequency). This variant has not been reported in the literature in individuals affected with ECHS1-related conditions. ClinVar contains an entry for this variant (Variation ID: 1462610). Invitae Evidence Modeling of protein sequence and biophysical properties (such as structural, functional, and spatial information, amino acid conservation, physicochemical variation, residue mobility, and thermodynamic stability) indicates that this missense variant is not expected to disrupt ECHS1 protein function with a negative predictive value of 80%. In summary, the available evidence is currently insufficient to determine the role of this variant in disease. Therefore, it has been classified as a Variant of Uncertain Significance.

NM_004092.4(ECHS1):c.851A>G (p.Lys284Arg)

Gene: ECHS1 (enoyl-CoA hydratase, short chain 1; minus strand). Cytogenetic location: 10q26.3.
Variant type: single nucleotide variant.
Coding change: c.851A>G on transcript NM_004092.4 (MANE Select); coding-DNA position 851, A replaced by G.
Protein change: p.Lys284Arg; replaces lysine 284 with arginine.
Molecular consequence: missense variant.
Genome position (GRCh38, 1-based): chr10:133,362,890, T>C on the plus strand (A>G on the coding strand, the complement: ECHS1 is on the minus strand). VCF-style: chr10-133362890-T-C. GRCh37 (hg19) VCF-style: chr10-135176394-T-C.
Other names: short protein forms K284R.
Identifiers: ClinVar variation 1462610 (VCV001462610.6), dbSNP rs1261009123, ClinGen allele CA378816946.